The following is an entry in ClinVar:

ClinVar aggregate classification (germline): Likely benign (1 of 4 stars; one submission).

gnomAD v4.1: 31 of 1,613,984 alleles (0.0019%); highest among the groups gnomAD compares: Non-Finnish European, 0.0021%; no homozygotes.

Submission:

CeGaT Center for Human Genetics Tuebingen
Classification: Likely benign. Last evaluated: 2025-01-01. Review status: criteria provided, single submitter. Criteria: CeGaT Center For Human Genetics Tuebingen Variant Classification Criteria Version 2. Collection method: clinical testing. Allele origin: germline. Affected: yes. Observed: 1 variant allele.
Comment: AIMP1: BP4, BP7

NM_001142416.2(AIMP1):c.693T>C (p.Ser231=)

Gene: AIMP1 (aminoacyl tRNA synthetase complex interacting multifunctional protein 1; plus strand). Cytogenetic location: 4q24.
Variant type: single nucleotide variant.
Coding change: c.693T>C on transcript NM_001142416.2 (MANE Select); coding-DNA position 693, T replaced by C.
Protein change: p.Ser231=; no amino-acid change (serine 231 retained).
Molecular consequence: synonymous variant.
Genome position (GRCh38, 1-based): chr4:106,336,958, T>C. VCF-style: chr4-106336958-T-C. GRCh37 (hg19) VCF-style: chr4-107258115-T-C.
Other names: c.693T>C, p.Ser231= (NM_001142415.2, NM_004757.4).
Identifiers: ClinVar variation 3771033 (VCV003771033.13).
Genomic context (GRCh38, chr4:106,336,958, plus strand): 5'-TAACCTGAAACCTGCAAAGATGAGGGGAGTATTATCTCAAGCAATGGTCATGTGTGCTAG[T>C]TCACCAGAGAAAATTGAAATCTTGGCTCCTCCAAATGGGTCTGTTCCTGGAGACAGAATT-3'
Protein context (NP_001135888.2, residues 221-241): VLSQAMVMCA[Ser231=]SPEKIEILAP